The following is an entry in ClinVar:

ClinVar aggregate classification (germline): Uncertain significance (1 of 4 stars; one submission).

Conditions:
Progressive myoclonic epilepsy type 8. Identifiers: Orphanet 424027, MedGen C5190825, MONDO:0014545, OMIM 616230.

Allele frequency attached by ClinVar (database versions not stated): gnomAD 0.00001; TOPMed 0.00001; gnomAD exomes 0.00002; ExAC 0.00005.
gnomAD v4.1: 26 of 1,601,628 alleles (0.0016%); highest among the groups gnomAD compares: Non-Finnish European, 0.0019%; no homozygotes.

Submission:

Labcorp Genetics (formerly Invitae), Labcorp
Classification: Uncertain significance for Progressive myoclonic epilepsy type 8. Last evaluated: 2022-12-02. Review status: criteria provided, single submitter. Criteria: Invitae Variant Classification Sherloc (09022015). Collection method: clinical testing. Allele origin: germline.
Comment: This sequence change affects codon 136 of the CERS1 mRNA. It is a 'silent' change, meaning that it does not change the encoded amino acid sequence of the CERS1 protein. It affects a nucleotide within the consensus splice site. The frequency data for this variant in the population databases is considered unreliable, as metrics indicate poor data quality at this position in the gnomAD database. In summary, the available evidence is currently insufficient to determine the role of this variant in disease. Therefore, it has been classified as a Variant of Uncertain Significance. Algorithms developed to predict the effect of sequence changes on RNA splicing suggest that this variant is not likely to affect RNA splicing. ClinVar contains an entry for this variant (Variation ID: 1387598). This variant has not been reported in the literature in individuals affected with CERS1-related conditions.

NM_021267.5(CERS1):c.408C>T (p.Tyr136=)

Genes: CERS1 (ceramide synthase 1; minus strand), GDF1 (growth differentiation factor 1; minus strand). Cytogenetic location: 19p13.11.
Variant type: single nucleotide variant.
Coding change: c.408C>T on transcript NM_021267.5 (MANE Select); coding-DNA position 408, C replaced by T.
Protein change: p.Tyr136=; no amino-acid change (tyrosine 136 retained).
Molecular consequence: synonymous variant. On other transcripts: 5 prime UTR variant (2).
Genome position (GRCh38, 1-based): chr19:18,893,417, G>A on the plus strand (C>T on the coding strand, the complement: CERS1 is on the minus strand). VCF-style: chr19-18893417-G-A. GRCh37 (hg19) VCF-style: chr19-19004226-G-A.
Other names: c.114C>T, p.Tyr38= (NM_001290265.2, NM_001387442.1, NM_001387443.1 and 2 more transcripts); c.408C>T, p.Tyr136= (NM_001387439.1, NM_001387440.1, NM_001387441.1 and 1 more transcripts); c.-495C>T (NM_001387438.1); c.-915C>T (NM_001492.6).
Identifiers: ClinVar variation 1387598 (VCV001387598.8), dbSNP rs779362030, ClinGen allele CA9318293.